The following is an entry in ClinVar:

ClinVar aggregate classification (germline): Uncertain significance. Review status: criteria provided, multiple submitters, no conflicts (2 of 4 stars). 6 submissions from 6 submitters: Uncertain significance (6). Last evaluated 2026-03-30.

Conditions:
Hereditary cancer-predisposing syndrome. Also called: Tumor predisposition; Hereditary Cancer Syndrome; Neoplastic Syndromes, Hereditary; Hereditary neoplastic syndrome. Identifiers: Orphanet 140162, MedGen C0027672, MeSH D009386, MONDO:0015356.
Hereditary breast ovarian cancer syndrome. Also called: Hereditary breast and ovarian cancer; Hereditary breast and ovarian cancer syndrome (HBOC); Hereditary breast and ovarian cancer syndrome; Breast and ovarian cancer; Hereditary breast and/or ovarian cancer syndrome; BRCA1- and BRCA2-Associated Hereditary Breast and Ovarian Cancer. Identifiers: Orphanet 145, MedGen C0677776, MeSH D061325, MONDO:0003582. Disease mechanism: loss of function.
Breast-ovarian cancer, familial, susceptibility to, 2 (BROVCA2). Also called: BRCA2 Hereditary Breast and Ovarian Cancer. Identifiers: Orphanet 145, MedGen C2675520, MONDO:0012933, OMIM 612555. Disease mechanism: loss of function.
Familial cancer of breast. Also called: hereditary breast carcinoma; Hereditary breast cancer; BREAST CANCER, FAMILIAL. Identifiers: Orphanet 227535, MedGen C0346153, MONDO:0016419, OMIM 114480. Disease mechanism: loss of function.

Allele frequency attached by ClinVar (database versions not stated): TOPMed below 0.00001.

Submissions (6):

Ambry Genetics
Classification: Uncertain significance for Hereditary cancer-predisposing syndrome. Last evaluated: 2026-03-30. Review status: criteria provided, single submitter. Criteria: Ambry Variant Classification Scheme 2023. Collection method: clinical testing. Allele origin: germline.
Comment: The p.P3301S variant (also known as c.9901C>T), located in coding exon 26 of the BRCA2 gene, results from a C to T substitution at nucleotide position 9901. The proline at codon 3301 is replaced by serine, an amino acid with similar properties. This amino acid position is conserved. In addition, this alteration is predicted to be tolerated by in silico analysis. Based on the available evidence, the clinical significance of this variant remains unclear.

Labcorp Genetics (formerly Invitae), Labcorp
Classification: Uncertain significance for Hereditary breast ovarian cancer syndrome. Last evaluated: 2024-01-31. Review status: criteria provided, single submitter. Criteria: Invitae Variant Classification Sherloc (09022015). Collection method: clinical testing. Allele origin: germline.
Comment: This sequence change replaces proline, which is neutral and non-polar, with serine, which is neutral and polar, at codon 3301 of the BRCA2 protein (p.Pro3301Ser). This variant is not present in population databases (gnomAD no frequency). This variant has not been reported in the literature in individuals affected with BRCA2-related conditions. ClinVar contains an entry for this variant (Variation ID: 633110). Advanced modeling of protein sequence and biophysical properties (such as structural, functional, and spatial information, amino acid conservation, physicochemical variation, residue mobility, and thermodynamic stability) performed at Invitae indicates that this missense variant is not expected to disrupt BRCA2 protein function with a negative predictive value of 95%. In summary, the available evidence is currently insufficient to determine the role of this variant in disease. Therefore, it has been classified as a Variant of Uncertain Significance.

GeneDx
Classification: Uncertain significance. Last evaluated: 2023-09-05. Review status: criteria provided, single submitter. Criteria: GeneDx Variant Classification Process June 2021. Collection method: clinical testing. Allele origin: germline. Affected: yes.
Comment: Not observed at significant frequency in large population cohorts (gnomAD); In silico analysis supports that this missense variant does not alter protein structure/function; Has not been previously published as pathogenic or benign to our knowledge; Also known as 10129C>T; This variant is associated with the following publications: (PMID: 9126738)

Baylor Genetics
Classification: Uncertain significance for Familial cancer of breast. Last evaluated: 2023-07-28. Review status: criteria provided, single submitter. Criteria: ACMG Guidelines, 2015. Collection method: clinical testing. Allele origin: unknown.

All of Us Research Program, National Institutes of Health
Classification: Uncertain significance for Breast-ovarian cancer, familial, susceptibility to, 2. Last evaluated: 2023-05-16. Review status: criteria provided, single submitter. Criteria: ACMG Guidelines, 2015. Collection method: clinical testing. Allele origin: germline. Inheritance: Autosomal dominant inheritance. Observed: 1 variant allele, 1 heterozygote.
Comment: This missense variant replaces proline with serine at codon 3301 of the BRCA2 protein. Computational prediction suggests that this variant may not impact protein structure and function (internally defined REVEL score threshold <= 0.5, PMID: 27666373). To our knowledge, functional studies have not been reported for this variant. This variant has not been reported in individuals affected with BRCA2-related disorders in the literature. This variant has not been identified in the general population by the Genome Aggregation Database (gnomAD). The available evidence is insufficient to determine the role of this variant in disease conclusively. Therefore, this variant is classified as a Variant of Uncertain Significance.

This study involves interpretation of variants in research participants for the purpose of population health screening. Participant phenotype was not available at the time of variant classification. Additional details can be found in publication PMID: 35346344, PMCID: PMC8962531

Women's Health and Genetics/Laboratory Corporation of America, LabCorp
Classification: Uncertain significance. Last evaluated: 2018-03-20. Review status: criteria provided, single submitter. Criteria: LabCorp Variant Classification Summary - May 2015. Collection method: clinical testing. Allele origin: germline.
Comment: Variant summary: BRCA2 c.9901C>T (p.Pro3301Ser) results in a non-conservative amino acid change in the encoded protein sequence. The variant is located outside of any known functional domain or repeat, however, four of five in-silico tools predict a damaging effect of the variant on protein function. The variant is absent in 245966 control chromosomes of gnomAD dataset. The available data on variant occurrences in the general population are insufficient to allow any conclusion about variant significance. To our knowledge, no occurrence of c.9901C>T in individuals affected with Hereditary Breast and Ovarian Cancer and no experimental evidence demonstrating its impact on protein function have been reported. No clinical diagnostic laboratories have submitted clinical-significance assessments for this variant to ClinVar after 2014. Based on the evidence outlined above, the variant was classified as uncertain significance.

NM_000059.4(BRCA2):c.9901C>T (p.Pro3301Ser)

Gene: BRCA2 (BRCA2 DNA repair associated; plus strand). Cytogenetic location: 13q13.1.
Variant type: single nucleotide variant.
Coding change: c.9901C>T on transcript NM_000059.4 (MANE Select); coding-DNA position 9901, C replaced by T.
Protein change: p.Pro3301Ser; replaces proline 3301 with serine.
Molecular consequence: missense variant.
Genome position (GRCh38, 1-based): chr13:32,398,414, C>T. VCF-style: chr13-32398414-C-T. GRCh37 (hg19) VCF-style: chr13-32972551-C-T.
Other names: short protein forms P3301S.
Identifiers: ClinVar variation 633110 (VCV000633110.15), dbSNP rs1566261153, ClinGen allele CA387766922.